The following is an entry in ClinVar:

NM_004304.5(ALK):c.4441T>C (p.Ser1481Pro)

Gene: ALK (ALK receptor tyrosine kinase; minus strand). Cytogenetic location: 2p23.2.
Variant type: single nucleotide variant.
Coding change: c.4441T>C on transcript NM_004304.5 (MANE Select); coding-DNA position 4441, T replaced by C.
Protein change: p.Ser1481Pro; replaces serine 1481 with proline.
Molecular consequence: missense variant.
Genome position (GRCh38, 1-based): chr2:29,193,646, A>G on the plus strand (T>C on the coding strand, the complement: ALK is on the minus strand). VCF-style: chr2-29193646-A-G. GRCh37 (hg19) VCF-style: chr2-29416512-A-G.
Other names: c.4441T>C (NM_004304.4); c.1237T>C, p.Ser413Pro (NM_001353765.2); short protein forms S413P, S1481P.
Identifiers: ClinVar variation 1385708 (VCV001385708.8), dbSNP rs2148138322, ClinGen allele CA346462081.

ClinVar aggregate classification (germline): Uncertain significance. Review status: criteria provided, multiple submitters, no conflicts (2 of 4 stars). 2 submissions from 2 submitters: Uncertain significance (2). Last evaluated 2025-09-28.

Conditions:
Hereditary cancer-predisposing syndrome. Also called: Tumor predisposition; Hereditary neoplastic syndrome; Neoplastic Syndromes, Hereditary; Hereditary Cancer Syndrome. Identifiers: Orphanet 140162, MedGen C0027672, MeSH D009386, MONDO:0015356.
Neuroblastoma, susceptibility to, 3. Also called: ALK-Related Neuroblastic Tumor Susceptibility. Identifiers: Orphanet 635, MedGen C2751681, MONDO:0013083, OMIM 613014.

Submissions (2):

Ambry Genetics
Classification: Uncertain significance for Hereditary cancer-predisposing syndrome. Last evaluated: 2025-09-28. Review status: criteria provided, single submitter. Criteria: Ambry Variant Classification Scheme 2023. Collection method: clinical testing. Allele origin: germline.
Comment: The p.S1481P variant (also known as c.4441T>C), located in coding exon 29 of the ALK gene, results from a T to C substitution at nucleotide position 4441. The serine at codon 1481 is replaced by proline, an amino acid with similar properties. This amino acid position is conserved. In addition, this alteration is predicted to be tolerated by in silico analysis. Since supporting evidence is limited at this time, the clinical significance of this alteration remains unclear.

Labcorp Genetics (formerly Invitae), Labcorp
Classification: Uncertain significance for Neuroblastoma, susceptibility to, 3. Last evaluated: 2023-02-16. Review status: criteria provided, single submitter. Criteria: Invitae Variant Classification Sherloc (09022015). Collection method: clinical testing. Allele origin: germline.
Comment: In summary, the available evidence is currently insufficient to determine the role of this variant in disease. Therefore, it has been classified as a Variant of Uncertain Significance. An algorithm developed to predict the effect of missense changes on protein structure and function (PolyPhen-2) suggests that this variant is likely to be tolerated. This sequence change replaces serine, which is neutral and polar, with proline, which is neutral and non-polar, at codon 1481 of the ALK protein (p.Ser1481Pro). This variant is not present in population databases (gnomAD no frequency). This variant has not been reported in the literature in individuals affected with ALK-related conditions. ClinVar contains an entry for this variant (Variation ID: 1385708).